The following is an entry in ClinVar:

ClinVar aggregate classification (germline): Pathogenic (1 of 4 stars; one submission).

Conditions:
Osteogenesis imperfecta type I (OI1). Also called: OI, TYPE I; OSTEOGENESIS IMPERFECTA TARDA; OSTEOGENESIS IMPERFECTA WITH BLUE SCLERAE; Osteogenesis imperfecta type 1; Lobstein's Disease; Lobstein disease. Identifiers: Orphanet 216796, Orphanet 666, MedGen C0023931, MONDO:0008146, OMIM 166200. Disease mechanism: loss of function.

Submission:

Labcorp Genetics (formerly Invitae), Labcorp
Classification: Pathogenic for Osteogenesis imperfecta type I. Last evaluated: 2023-01-21. Review status: criteria provided, single submitter. Criteria: Invitae Variant Classification Sherloc (09022015). Collection method: clinical testing. Allele origin: germline.
Comment: For these reasons, this variant has been classified as Pathogenic. This variant has not been reported in the literature in individuals affected with COL1A1-related conditions. This variant is not present in population databases (gnomAD no frequency). This sequence change creates a premature translational stop signal (p.Gly728Leufs*36) in the COL1A1 gene. It is expected to result in an absent or disrupted protein product. Loss-of-function variants in COL1A1 are known to be pathogenic (PMID: 7942841, 9295084, 9443882).

Literature cited by the submitters: PubMed 7942841; PubMed 9295084; PubMed 9443882.

NM_000088.4(COL1A1):c.2182_2188del (p.Gly728fs)

Gene: COL1A1 (collagen type I alpha 1 chain; minus strand). Cytogenetic location: 17q21.33.
Variant type: Deletion.
Coding change: c.2182_2188del on transcript NM_000088.4 (MANE Select); coding-DNA positions 2182 to 2188, 7 bases deleted (GGAATGC; older notation c.2182_2188delGGAATGC).
Protein change: p.Gly728fs; shifts the reading frame from glycine 728.
Molecular consequence: frameshift variant.
Genome position (GRCh38, 1-based): chr17:50,191,430-50,191,436, GCATTCC deleted on the plus strand (GGAATGC on the coding strand, the reverse complement: COL1A1 is on the minus strand). VCF-style (leftmost placement, unchanged base first): chr17-50191429-GGCATTCC-G. GRCh37 (hg19) VCF-style: chr17-48268790-GGCATTCC-G.
Other names: short protein forms G728fs.
Identifiers: ClinVar variation 2830724 (VCV002830724.3), dbSNP rs2509197128, ClinGen allele CA2739268247.
Genomic context (GRCh38, chr17:50,191,429, plus strand): 5'-AAGGTTGAACTTACTCTGTCACCCTTAGGCCCTGGAAGACCAGCTGCACCACGTTCACCA[GGCATTCC>G]CTGAAGGCCAGGGGCGCCCTGGCTACCGGGAGCTCCAGGGGCACCAGCATCACCCTATGT-3'